The following is an entry in ClinVar:

ClinVar aggregate classification (germline): Uncertain significance (1 of 4 stars; one submission).

Allele frequency attached by ClinVar (database versions not stated): gnomAD exomes below 0.00001; TOPMed below 0.00001; gnomAD 0.00001.
gnomAD v4.1: 4 of 1,613,954 alleles (0.00025%); highest among the groups gnomAD compares: African/African-American, 0.0013%; no homozygotes.

Submission:

Labcorp Genetics (formerly Invitae), Labcorp
Classification: Uncertain significance. Last evaluated: 2023-05-13. Review status: criteria provided, single submitter. Criteria: Invitae Variant Classification Sherloc (09022015). Collection method: clinical testing. Allele origin: germline.
Comment: An algorithm developed to predict the effect of missense changes on protein structure and function (PolyPhen-2) suggests that this variant is likely to be disruptive. In summary, the available evidence is currently insufficient to determine the role of this variant in disease. Therefore, it has been classified as a Variant of Uncertain Significance. This sequence change replaces threonine, which is neutral and polar, with isoleucine, which is neutral and non-polar, at codon 479 of the CLCN6 protein (p.Thr479Ile). This variant is not present in population databases (gnomAD no frequency). This variant has not been reported in the literature in individuals affected with CLCN6-related conditions.

NM_001286.5(CLCN6):c.1436C>T (p.Thr479Ile)

Gene: CLCN6 (chloride voltage-gated channel 6; plus strand). Cytogenetic location: 1p36.22.
Variant type: single nucleotide variant.
Coding change: c.1436C>T on transcript NM_001286.5 (MANE Select); coding-DNA position 1436, C replaced by T.
Protein change: p.Thr479Ile; replaces threonine 479 with isoleucine.
Molecular consequence: missense variant. On other transcripts: non-coding transcript variant (1).
Genome position (GRCh38, 1-based): chr1:11,833,940, C>T. VCF-style: chr1-11833940-C-T. GRCh37 (hg19) VCF-style: chr1-11893997-C-T.
Other names: c.1370C>T, p.Thr457Ile (NM_001256959.2); short protein forms T457I, T479I.
Identifiers: ClinVar variation 3003661 (VCV003003661.3), dbSNP rs1644910939, ClinGen allele CA338435451.